The following is an entry in ClinVar:

NM_000044.6(AR):c.625G>C (p.Gly209Arg)

Gene: AR (androgen receptor; plus strand). Cytogenetic location: Xq12.
Variant type: single nucleotide variant.
Coding change: c.625G>C on transcript NM_000044.6 (MANE Select); coding-DNA position 625, G replaced by C.
Protein change: p.Gly209Arg; replaces glycine 209 with arginine.
Molecular consequence: missense variant. On other transcripts: 5 prime UTR variant (1).
Genome position (GRCh38, 1-based): chrX:67,545,771, G>C. VCF-style: chrX-67545771-G-C. GRCh37 (hg19) VCF-style: chrX-66765613-G-C.
Other names: c.-1159G>C (NM_001011645.3); c.625G>C, p.Gly209Arg (NM_001348061.1, NM_001348063.1, NM_001348064.1 and 1 more transcripts); short protein forms G209R.
Identifiers: ClinVar variation 2660771 (VCV002660771.24), dbSNP rs775392428, ClinGen allele CA10436298.

ClinVar aggregate classification (germline): Uncertain significance (1 of 4 stars; one submission).

gnomAD v4.1: 2 of 1,211,728 alleles (0.00017%); highest among the groups gnomAD compares: Non-Finnish European, 0.00022%; no homozygotes.

Submission:

CeGaT Center for Human Genetics Tuebingen
Classification: Uncertain significance. Last evaluated: 2022-03-01. Review status: criteria provided, single submitter. Criteria: CeGaT Center For Human Genetics Tuebingen Variant Classification Criteria Version 2. Collection method: clinical testing. Allele origin: germline. Affected: yes. Observed: 1 variant allele.
Comment: AR: PM2, PM5